The following is an entry in ClinVar:

ClinVar aggregate classification (germline): Uncertain significance (1 of 4 stars; one submission).

Submission:

Labcorp Genetics (formerly Invitae), Labcorp
Classification: Uncertain significance. Last evaluated: 2026-01-08. Review status: criteria provided, single submitter. Criteria: Invitae Variant Classification Sherloc (09022015). Collection method: clinical testing. Allele origin: germline.
Comment: This sequence change replaces serine, which is neutral and polar, with arginine, which is basic and polar, at codon 475 of the ROBO1 protein (p.Ser475Arg). This variant is not present in population databases (gnomAD no frequency). This variant has not been reported in the literature in individuals affected with ROBO1-related conditions. Invitae Evidence Modeling of protein sequence and biophysical properties (such as structural, functional, and spatial information, amino acid conservation, physicochemical variation, residue mobility, and thermodynamic stability) indicates that this missense variant is not expected to disrupt ROBO1 protein function with a negative predictive value of 95%. In summary, the available evidence is currently insufficient to determine the role of this variant in disease. Therefore, it has been classified as a Variant of Uncertain Significance.

NM_002941.4(ROBO1):c.1425C>A (p.Ser475Arg)

Gene: ROBO1 (roundabout guidance receptor 1; minus strand). Cytogenetic location: 3p12.3.
Variant type: single nucleotide variant.
Coding change: c.1425C>A on transcript NM_002941.4 (MANE Select); coding-DNA position 1425, C replaced by A.
Protein change: p.Ser475Arg; replaces serine 475 with arginine.
Molecular consequence: missense variant.
Genome position (GRCh38, 1-based): chr3:78,670,219, G>T on the plus strand (C>A on the coding strand, the complement: ROBO1 is on the minus strand). VCF-style: chr3-78670219-G-T. GRCh37 (hg19) VCF-style: chr3-78719369-G-T.
Other names: c.1317C>A, p.Ser439Arg (NM_001145845.2, NM_133631.4); short protein forms S439R, S475R.
Identifiers: ClinVar variation 4762471 (VCV004762471.1).